The following is an entry in ClinVar:

NM_004333.6(BRAF):c.1178-1093G>T

Gene: BRAF (B-Raf proto-oncogene, serine/threonine kinase; minus strand). Cytogenetic location: 7q34.
Variant type: single nucleotide variant.
Coding change: c.1178-1093G>T on transcript NM_004333.6 (MANE Select); 1093 bases into the intron before coding-DNA position 1178, G replaced by T.
Molecular consequence: intron variant.
Genome position (GRCh38, 1-based): chr7:140,784,250, C>A on the plus strand (G>T on the coding strand, the complement: BRAF is on the minus strand). VCF-style: chr7-140784250-C-A. GRCh37 (hg19) VCF-style: chr7-140484050-C-A.
Other names: c.1178-1093G>T (NM_001378474.1, NM_001378468.1, NM_001354609.2); c.1076-1093G>T (NM_001378470.1); c.914-1093G>T (NM_001378475.1); c.1141-1167G>T (NM_001378471.1); c.1298-1093G>T (NM_001374258.1, NM_001374244.1); c.1187-1093G>T (NM_001378467.1); c.1022-1093G>T (NM_001378472.1, NM_001378473.1); c.1178-1159G>T (NM_001378469.1).
Identifiers: ClinVar variation 2658032 (VCV002658032.24), dbSNP rs533647072, ClinGen allele CA168092320.

ClinVar aggregate classification (germline): Likely benign (1 of 4 stars; one submission).

Allele frequency attached by ClinVar (database versions not stated): gnomAD 0.00010; TOPMed 0.00010; 1000 Genomes Project 0.00080; 1000 Genomes Project 30x 0.00094.
gnomAD v4.1: 16 of 152,158 alleles (0.011%); highest among the groups gnomAD compares: South Asian, 0.15%; no homozygotes.

Submission:

CeGaT Center for Human Genetics Tuebingen
Classification: Likely benign. Last evaluated: 2026-03-01. Review status: criteria provided, single submitter. Criteria: CeGaT Center For Human Genetics Tuebingen Variant Classification Criteria Version 2. Collection method: clinical testing. Allele origin: germline. Affected: yes. Observed: 4 variant alleles.
Comment: BRAF: BS1